The following is an entry in ClinVar:

NM_017662.5(TRPM6):c.234T>A (p.Ser78Arg)

Gene: TRPM6 (transient receptor potential cation channel subfamily M member 6; minus strand). Cytogenetic location: 9q21.13.
Variant type: single nucleotide variant.
Coding change: c.234T>A on transcript NM_017662.5 (MANE Select); coding-DNA position 234, T replaced by A.
Protein change: p.Ser78Arg; replaces serine 78 with arginine.
Molecular consequence: missense variant.
Genome position (GRCh38, 1-based): chr9:74,842,262, A>T on the plus strand (T>A on the coding strand, the complement: TRPM6 is on the minus strand). VCF-style: chr9-74842262-A-T. GRCh37 (hg19) VCF-style: chr9-77457178-A-T.
Other names: c.219T>A, p.Ser73Arg (NM_001177310.2, NM_001177311.2); short protein forms S78R, S73R.
Identifiers: ClinVar variation 4749076 (VCV004749076.1).

ClinVar aggregate classification (germline): Uncertain significance (1 of 4 stars; one submission).

gnomAD v4.1: 4 of 1,613,994 alleles (0.00025%); highest among the groups gnomAD compares: African/African-American, 0.0053%; no homozygotes.

Submission:

Labcorp Genetics (formerly Invitae), Labcorp
Classification: Uncertain significance. Last evaluated: 2025-08-11. Review status: criteria provided, single submitter. Criteria: Invitae Variant Classification Sherloc (09022015). Collection method: clinical testing. Allele origin: germline.
Comment: This sequence change replaces serine, which is neutral and polar, with arginine, which is basic and polar, at codon 78 of the TRPM6 protein (p.Ser78Arg). This variant is not present in population databases (gnomAD no frequency). This variant has not been reported in the literature in individuals affected with TRPM6-related conditions. An algorithm developed to predict the effect of missense changes on protein structure and function (PolyPhen-2) suggests that this variant is likely to be tolerated. In summary, the available evidence is currently insufficient to determine the role of this variant in disease. Therefore, it has been classified as a Variant of Uncertain Significance.